The following is an entry in ClinVar:

ClinVar aggregate classification (germline): Uncertain significance (1 of 4 stars; one submission).

Submission:

Labcorp Genetics (formerly Invitae), Labcorp
Classification: Uncertain significance. Last evaluated: 2024-03-28. Review status: criteria provided, single submitter. Criteria: Invitae Variant Classification Sherloc (09022015). Collection method: clinical testing. Allele origin: germline.
Comment: This sequence change replaces tryptophan, which is neutral and slightly polar, with serine, which is neutral and polar, at codon 514 of the MAGEL2 protein (p.Trp514Ser). This variant is not present in population databases (gnomAD no frequency). This variant has not been reported in the literature in individuals affected with MAGEL2-related conditions. Advanced modeling of protein sequence and biophysical properties (such as structural, functional, and spatial information, amino acid conservation, physicochemical variation, residue mobility, and thermodynamic stability) performed at Invitae indicates that this missense variant is not expected to disrupt MAGEL2 protein function with a negative predictive value of 80%. In summary, the available evidence is currently insufficient to determine the role of this variant in disease. Therefore, it has been classified as a Variant of Uncertain Significance.

NM_019066.5(MAGEL2):c.1541G>C (p.Trp514Ser)

Gene: MAGEL2 (MAGE family member L2; minus strand). Cytogenetic location: 15q11.2.
Variant type: single nucleotide variant.
Coding change: c.1541G>C on transcript NM_019066.5 (MANE Select); coding-DNA position 1541, G replaced by C.
Protein change: p.Trp514Ser; replaces tryptophan 514 with serine.
Molecular consequence: missense variant.
Genome position (GRCh38, 1-based): chr15:23,646,202, C>G on the plus strand (G>C on the coding strand, the complement: MAGEL2 is on the minus strand). VCF-style: chr15-23646202-C-G. GRCh37 (hg19) VCF-style: chr15-23891349-C-G.
Other names: short protein forms W514S.
Identifiers: ClinVar variation 3648012 (VCV003648012.2).